The following is an entry in ClinVar:

ClinVar aggregate classification (germline): Pathogenic. Review status: criteria provided, multiple submitters, no conflicts (2 of 4 stars). 3 submissions from 3 submitters: Pathogenic (3). Last evaluated 2023-08-28.

Conditions:
Long QT syndrome (LQTS). Identifiers: MedGen C0023976, MeSH D008133, MONDO:0002442. Disease mechanism: loss of function. Inheritance: Various modes of inheritance.

Submissions (3):

Women's Health and Genetics/Laboratory Corporation of America, LabCorp
Classification: Pathogenic for Long QT syndrome. Last evaluated: 2023-08-28. Review status: criteria provided, single submitter. Criteria: LabCorp Variant Classification Summary - May 2015. Collection method: clinical testing. Allele origin: germline.
Comment: Variant summary: KCNQ1 c.551dupA (p.Tyr184X) results in a premature termination codon, predicted to cause absence of the protein due to nonsense mediated decay, a commonly known mechanism for disease. The variant was absent in 249702 control chromosomes (gnomAD). c.551dupA has been reported in the literature in individuals affected with Long QT Syndrome (Schwartz_2021). These data indicate that the variant is likely to be associated with disease. To our knowledge, no experimental evidence demonstrating an impact on protein function has been reported. The following publication has been ascertained in the context of this evaluation (PMID: 34505893). Two submitters have cited clinical-significance assessments for this variant to ClinVar after 2014 and both classified the variant as pathogenic. Based on the evidence outlined above, the variant was classified as pathogenic.

GeneDx
Classification: Pathogenic. Last evaluated: 2023-07-18. Review status: criteria provided, single submitter. Criteria: GeneDx Variant Classification Process June 2021. Collection method: clinical testing. Allele origin: germline. Affected: yes.
Comment: Identified in at least one individual with LQTS in published literature (Schwartz et al., 2021); Not observed at significant frequency in large population cohorts (gnomAD); Nonsense variant predicted to result in protein truncation or nonsense mediated decay in a gene for which loss of function is a known mechanism of disease; This variant is associated with the following publications: (PMID: 34505893)

Labcorp Genetics (formerly Invitae), Labcorp
Classification: Pathogenic for Long QT syndrome. Last evaluated: 2019-10-10. Review status: criteria provided, single submitter. Criteria: Invitae Variant Classification Sherloc (09022015). Collection method: clinical testing. Allele origin: germline.
Comment: For these reasons, this variant has been classified as Pathogenic. This sequence change creates a premature translational stop signal (p.Tyr184*) in the KCNQ1 gene. It is expected to result in an absent or disrupted protein product. This variant is not present in population databases (ExAC no frequency). This variant has not been reported in the literature in individuals with KCNQ1-related conditions. ClinVar contains an entry for this variant (Variation ID: 200870). Loss-of-function variants in KCNQ1 are known to be pathogenic (PMID: 9323054, 19862833).

Literature cited by the submitters: PubMed 34505893 (cited by Women's Health and Genetics/Laboratory Corporation of America, LabCorp); PubMed 9323054 (cited by Labcorp Genetics (formerly Invitae), Labcorp); PubMed 19862833 (cited by Labcorp Genetics (formerly Invitae), Labcorp).

NM_000218.3(KCNQ1):c.551dup (p.Tyr184Ter)

Gene: KCNQ1 (potassium voltage-gated channel subfamily Q member 1; plus strand). Cytogenetic location: 11p15.5.
Variant type: Duplication.
Coding change: c.551dup on transcript NM_000218.3 (MANE Select); coding-DNA position 551, one base duplicated (A; older notation c.551dupA).
Protein change: p.Tyr184Ter; replaces tyrosine 184 with a stop codon.
Molecular consequence: nonsense. On other transcripts: frameshift variant (4).
Genome position (GRCh38, 1-based): chr11:2,570,701, A duplicated. VCF-style (leftmost placement, unchanged base first): chr11-2570700-T-TA. GRCh37 (hg19) VCF-style: chr11-2591930-T-TA.
Other names: c.551dup, p.Tyr184Terfs (NM_001406836.1); c.281dup, p.Tyr94Terfs (NM_001406837.1); c.170dup, p.Tyr57Terfs (NM_181798.2); c.551dupA (NM_000218.2); short protein forms Y184*, Y57*.
Identifiers: ClinVar variation 200870 (VCV000200870.14), dbSNP rs794728547, ClinGen allele CA305943.